The following is an entry in ClinVar:

ClinVar aggregate classification (germline): Uncertain significance (1 of 4 stars; one submission).

Submission:

Labcorp Genetics (formerly Invitae), Labcorp
Classification: Uncertain significance. Last evaluated: 2022-07-19. Review status: criteria provided, single submitter. Criteria: Invitae Variant Classification Sherloc (09022015). Collection method: clinical testing. Allele origin: germline.
Comment: This variant is not present in population databases (gnomAD no frequency). In summary, the available evidence is currently insufficient to determine the role of this variant in disease. Therefore, it has been classified as a Variant of Uncertain Significance. Algorithms developed to predict the effect of missense changes on protein structure and function (SIFT, PolyPhen-2, Align-GVGD) all suggest that this variant is likely to be tolerated. This variant has not been reported in the literature in individuals affected with POLE2-related conditions. This sequence change replaces glycine, which is neutral and non-polar, with alanine, which is neutral and non-polar, at codon 173 of the POLE2 protein (p.Gly173Ala).

NM_002692.4(POLE2):c.518G>C (p.Gly173Ala)

Gene: POLE2 (DNA polymerase epsilon 2, accessory subunit; minus strand). Cytogenetic location: 14q21.3.
Variant type: single nucleotide variant.
Coding change: c.518G>C on transcript NM_002692.4 (MANE Select); coding-DNA position 518, G replaced by C.
Protein change: p.Gly173Ala; replaces glycine 173 with alanine.
Molecular consequence: missense variant.
Genome position (GRCh38, 1-based): chr14:49,666,388, C>G on the plus strand (G>C on the coding strand, the complement: POLE2 is on the minus strand). VCF-style: chr14-49666388-C-G. GRCh37 (hg19) VCF-style: chr14-50133106-C-G.
Other names: c.518G>C, p.Gly173Ala (NM_001197331.3, NM_001348384.2); c.440G>C, p.Gly147Ala (NM_001197330.2); c.287G>C, p.Gly96Ala (NM_001348385.2); short protein forms G147A, G173A, G96A.
Identifiers: ClinVar variation 1719667 (VCV001719667.5), dbSNP rs754943640, ClinGen allele CA389608005.